The following is an entry in ClinVar:

ClinVar aggregate classification (germline): Uncertain significance (1 of 4 stars; one submission).

Conditions:
Dilated cardiomyopathy 1DD (CMD1DD). Identifiers: Orphanet 154, MedGen C2750995, MONDO:0013168, OMIM 613172.

Submission:

Labcorp Genetics (formerly Invitae), Labcorp
Classification: Uncertain significance for Dilated cardiomyopathy 1DD. Last evaluated: 2025-08-25. Review status: criteria provided, single submitter. Criteria: Invitae Variant Classification Sherloc (09022015). Collection method: clinical testing. Allele origin: germline.
Comment: This sequence change replaces serine, which is neutral and polar, with cysteine, which is neutral and slightly polar, at codon 161 of the RBM20 protein (p.Ser161Cys). This variant is not present in population databases (gnomAD no frequency). This variant has not been reported in the literature in individuals affected with RBM20-related conditions. Invitae Evidence Modeling of protein sequence and biophysical properties (such as structural, functional, and spatial information, amino acid conservation, physicochemical variation, residue mobility, and thermodynamic stability) indicates that this missense variant is not expected to disrupt RBM20 protein function with a negative predictive value of 95%. In summary, the available evidence is currently insufficient to determine the role of this variant in disease. Therefore, it has been classified as a Variant of Uncertain Significance.

NM_001134363.3(RBM20):c.481A>T (p.Ser161Cys)

Gene: RBM20 (RNA binding motif protein 20; plus strand). Cytogenetic location: 10q25.2.
Variant type: single nucleotide variant.
Coding change: c.481A>T on transcript NM_001134363.3 (MANE Select); coding-DNA position 481, A replaced by T.
Protein change: p.Ser161Cys; replaces serine 161 with cysteine.
Molecular consequence: missense variant.
Genome position (GRCh38, 1-based): chr10:110,781,090, A>T. VCF-style: chr10-110781090-A-T. GRCh37 (hg19) VCF-style: chr10-112540848-A-T.
Other names: short protein forms S161C.
Identifiers: ClinVar variation 4802645 (VCV004802645.1).